The following is an entry in ClinVar:

NM_000603.5(NOS3):c.335G>A (p.Arg112Gln)

Gene: NOS3 (nitric oxide synthase 3; plus strand). Cytogenetic location: 7q36.1.
Variant type: single nucleotide variant.
Coding change: c.335G>A on transcript NM_000603.5 (MANE Select); coding-DNA position 335, G replaced by A.
Protein change: p.Arg112Gln; replaces arginine 112 with glutamine.
Molecular consequence: missense variant.
Genome position (GRCh38, 1-based): chr7:150,996,468, G>A. VCF-style: chr7-150996468-G-A. GRCh37 (hg19) VCF-style: chr7-150693556-G-A.
Other names: c.335G>A, p.Arg112Gln (NM_001160109.2, NM_001160110.1, NM_001160111.1); short protein forms R112Q.
Identifiers: ClinVar variation 1182440 (VCV001182440.4), dbSNP rs3918166, ClinGen allele CA4566568.

ClinVar aggregate classification (germline): Benign. Review status: criteria provided, multiple submitters, no conflicts (2 of 4 stars). 3 submissions from 3 submitters: Benign (2). 1 of the submissions does not count toward it. Last evaluated 2021-05-04.

Conditions:
NOS3-related disorder. Also called: NOS3-related condition.

Allele frequency attached by ClinVar (database versions not stated): ESP Exome Variant Server 0.01549; TOPMed 0.01727; 1000 Genomes Project 0.02037; 1000 Genomes Project 30x 0.02139.

Submissions (3):

GeneDx
Classification: Benign. Last evaluated: 2021-05-04. Review status: criteria provided, single submitter. Criteria: GeneDx Variant Classification Process June 2021. Collection method: clinical testing. Allele origin: germline. Affected: yes.

Breakthrough Genomics
Classification: Benign. Review status: criteria provided, single submitter. Criteria: ACMG Guidelines, 2015. Collection method: not provided. Allele origin: germline. Inheritance: Autosomal dominant inheritance. Affected: yes.

PreventionGenetics, part of Exact Sciences
Classification: Benign for NOS3-related condition. Last evaluated: 2024-05-14. Review status: no assertion criteria provided. Collection method: clinical testing. Allele origin: germline. Not counted in ClinVar's aggregate classification.
Comment: This variant is classified as benign based on ACMG/AMP sequence variant interpretation guidelines (Richards et al. 2015 PMID: 25741868, with internal and published modifications).